The following is an entry in ClinVar:

NM_022834.5(VWA1):c.548C>G (p.Ser183Ter)

Gene: VWA1 (von Willebrand factor A domain containing 1; plus strand). Cytogenetic location: 1p36.33.
Variant type: single nucleotide variant.
Coding change: c.548C>G on transcript NM_022834.5 (MANE Select); coding-DNA position 548, C replaced by G.
Protein change: p.Ser183Ter; replaces serine 183 with a stop codon.
Molecular consequence: nonsense. On other transcripts: synonymous variant (1).
Genome position (GRCh38, 1-based): chr1:1,437,401, C>G. VCF-style: chr1-1437401-C-G. GRCh37 (hg19) VCF-style: chr1-1372781-C-G.
Other names: c.153C>G, p.Leu51= (NM_199121.3); short protein forms S183*.
Identifiers: ClinVar variation 1377417 (VCV001377417.7), dbSNP rs750227698, ClinGen allele CA337882952.

ClinVar aggregate classification (germline): Pathogenic. Review status: criteria provided, multiple submitters, no conflicts (2 of 4 stars). 2 submissions from 2 submitters: Pathogenic (2). Last evaluated 2025-07-30.

Conditions:
Neuronopathy, distal hereditary motor, autosomal recessive 7. Also called: NEUROPATHY, HEREDITARY MOTOR, WITH MYOPATHIC FEATURES; NEUROPATHY, DISTAL HEREDITARY MOTOR, AUTOSOMAL RECESSIVE 7. Identifiers: MedGen C5543119, MONDO:0030977, OMIM 619216.

gnomAD v4.1: 26 of 1,612,844 alleles (0.0016%); highest among the groups gnomAD compares: Non-Finnish European, 0.0021%; no homozygotes.

Submissions (2):

3billion
Classification: Pathogenic for Neuronopathy, distal hereditary motor, autosomal recessive 7. Last evaluated: 2025-07-30. Review status: criteria provided, single submitter. Criteria: ACMG Guidelines, 2015. Collection method: clinical testing. Allele origin: germline. Affected: yes.
Comment: The variant is observed at an extremely low frequency in the gnomAD v4.1.0 dataset (total allele frequency: 0.002%). Predicted Consequence/Location: Stop-gained (nonsense): predicted to result in a loss or disruption of normal protein function through nonsense-mediated decay (NMD) or protein truncation. Multiple pathogenic variants are reported downstream of the variant. The variant has been reported to be associated with VWA1-related disorder (ClinVar ID: VCV001377417). Therefore, this variant is classified as Pathogenic according to the recommendation of ACMG/AMP guideline.

Labcorp Genetics (formerly Invitae), Labcorp
Classification: Pathogenic. Last evaluated: 2021-03-12. Review status: criteria provided, single submitter. Criteria: Invitae Variant Classification Sherloc (09022015). Collection method: clinical testing. Allele origin: germline.
Comment: This variant has not been reported in the literature in individuals with VWA1-related conditions. This variant is not present in population databases (ExAC no frequency). This sequence change creates a premature translational stop signal (p.Ser183*) in the VWA1 gene. It is expected to result in an absent or disrupted protein product. Loss-of-function variants in VWA1 are known to be pathogenic (PMID: 33459760). For these reasons, this variant has been classified as Pathogenic.

Literature cited by the submitters: PubMed 33459760 (cited by Labcorp Genetics (formerly Invitae), Labcorp).